The following is an entry in ClinVar:

ClinVar aggregate classification (germline): Benign (1 of 4 stars; one submission).

Conditions:
Acyl-CoA oxidase deficiency. Also called: STRAIGHT-CHAIN ACYL-CoA OXIDASE DEFICIENCY; Pseudoneonatal adrenoleukodystrophy; Peroxisomal acyl-CoA oxidase deficiency. Identifiers: Orphanet 2971, MedGen C1849678, MONDO:0009919, OMIM 264470. Disease mechanism: loss of function.

Allele frequency attached by ClinVar (database versions not stated): gnomAD 0.00647 and 0.00683; TOPMed 0.00747; 1000 Genomes Project 0.00799; 1000 Genomes Project 30x 0.00874.

Submission:

Illumina Laboratory Services, Illumina
Classification: Benign for Acyl-CoA oxidase deficiency. Last evaluated: 2018-01-12. Review status: criteria provided, single submitter. Criteria: ICSL Variant Classification Criteria 13 December 2019. Collection method: clinical testing. Allele origin: germline.
Comment: This variant was observed in the ICSL laboratory as part of a predisposition screen in an ostensibly healthy population. It had not been previously curated by ICSL or reported in the Human Gene Mutation Database (HGMD: prior to June 1st, 2018), and was therefore a candidate for classification through an automated scoring system. Utilizing variant allele frequency, disease prevalence and penetrance estimates, and inheritance mode, an automated score was calculated to assess if this variant is too frequent to cause the disease. Based on the score and internal cut-off values, a variant classified as benign is not then subjected to further curation. The score for this variant resulted in a classification of benign for this disease.

NM_004035.7(ACOX1):c.*1977C>T

Gene: ACOX1 (acyl-CoA oxidase 1; minus strand). Cytogenetic location: 17q25.1.
Variant type: single nucleotide variant.
Coding change: c.*1977C>T on transcript NM_004035.7 (MANE Select); 1977 bases downstream of the stop codon, C replaced by T.
Molecular consequence: 3 prime UTR variant.
Genome position (GRCh38, 1-based): chr17:75,944,771, G>A on the plus strand (C>T on the coding strand, the complement: ACOX1 is on the minus strand). VCF-style: chr17-75944771-G-A. GRCh37 (hg19) VCF-style: chr17-73940852-G-A.
Other names: c.*1977C>T (NM_001185039.2, NM_007292.6).
Identifiers: ClinVar variation 325338 (VCV000325338.5), dbSNP rs141097660, ClinGen allele CA10646847.
Genomic context (GRCh38, chr17:75,944,771, plus strand): 5'-AATATTAATAAAAATAGCATCAAATGTCAGATTTAGATTTTTTTTTTGAGACGGAGTCTC[G>A]CTCAGCCACCCAGGCTGCAGTGTAGTGGCACCATCTTGGCTCACTGCAACCTCTACCCGC-3'